The following is an entry in ClinVar:

ClinVar aggregate classification (germline): Conflicting classifications of pathogenicity. Review status: criteria provided, conflicting classifications (1 of 4 stars). 3 submissions from 3 submitters: Likely pathogenic (2); Uncertain significance (1). Last evaluated 2024-02-11.

Conditions:
PTCH1-related disorder. Also called: PTCH1-related disorders; PTCH1-related condition.
Hereditary cancer-predisposing syndrome. Also called: Hereditary Cancer Syndrome; Hereditary neoplastic syndrome; Neoplastic Syndromes, Hereditary; Tumor predisposition. Identifiers: Orphanet 140162, MedGen C0027672, MeSH D009386, MONDO:0015356.
Basal cell carcinoma, susceptibility to, 1. Also called: BCC1. Identifiers: MedGen C2751544, MONDO:0011556, OMIM 605462.

Submissions (3):

Baylor Genetics
Classification: Uncertain significance for Basal cell carcinoma, susceptibility to, 1. Last evaluated: 2024-02-11. Review status: criteria provided, single submitter. Criteria: ACMG Guidelines, 2015. Collection method: clinical testing. Allele origin: unknown.

Blueprint Genetics
Classification: Likely pathogenic for PTCH1-related disorders. Last evaluated: 2023-03-31. Review status: criteria provided, single submitter. Criteria: ACMG Guidelines, 2015. Collection method: clinical testing. Allele origin: germline. Affected: yes. Observed: 1 variant allele.

Ambry Genetics
Classification: Likely pathogenic for Hereditary cancer-predisposing syndrome. Last evaluated: 2021-12-17. Review status: criteria provided, single submitter. Criteria: Ambry Variant Classification Scheme 2023. Collection method: clinical testing. Allele origin: germline.
Comment: The p.P504L variant (also known as c.1511C>T), located in coding exon 11 of the PTCH1 gene, results from a C to T substitution at nucleotide position 1511. The proline at codon 504 is replaced by leucine, an amino acid with similar properties. The authors reported that this alteration segregated with disease in the family, but details were not provided. This amino acid position is highly conserved in available vertebrate species. In addition, this alteration is predicted to be deleterious by in silico analysis. This variant is considered to be rare based on population cohorts in the Genome Aggregation Database (gnomAD). Based on the majority of available evidence to date, this variant is likely to be pathogenic.

Literature cited by the submitters: PubMed 12925203 (cited by Ambry Genetics).

NM_000264.5(PTCH1):c.1511C>T (p.Pro504Leu)

Gene: PTCH1 (patched 1; minus strand). Cytogenetic location: 9q22.32.
Variant type: single nucleotide variant.
Coding change: c.1511C>T on transcript NM_000264.5 (MANE Select); coding-DNA position 1511, C replaced by T.
Protein change: p.Pro504Leu; replaces proline 504 with leucine.
Molecular consequence: missense variant. On other transcripts: non-coding transcript variant (1).
Genome position (GRCh38, 1-based): chr9:95,476,850, G>A on the plus strand (C>T on the coding strand, the complement: PTCH1 is on the minus strand). VCF-style: chr9-95476850-G-A. GRCh37 (hg19) VCF-style: chr9-98239132-G-A.
Other names: c.1058C>T, p.Pro353Leu (NM_001083607.3, NM_001083604.3, NM_001083605.3 and 1 more transcripts); c.1355C>T, p.Pro452Leu (NM_001354918.2); c.1313C>T, p.Pro438Leu (NM_001083602.3); c.1508C>T, p.Pro503Leu (NM_001083603.3); short protein forms P452L, P503L, P504L, P438L, P353L.
Identifiers: ClinVar variation 1774216 (VCV001774216.4), dbSNP rs1588598694, ClinGen allele CA374118339.